The following is an entry in ClinVar:

ClinVar aggregate classification (germline): Benign. Review status: criteria provided, multiple submitters, no conflicts (2 of 4 stars). 3 submissions from 3 submitters: Benign (3). Last evaluated 2025-11-16.

Conditions:
Posterior polymorphous corneal dystrophy. Also called: CORNEAL DYSTROPHY, HEREDITARY POLYMORPHOUS POSTERIOR; Polymorphous corneal dystrophy. Identifiers: Orphanet 98973, MedGen C0339284, MONDO:0020364, HP:0007915.

Allele frequency attached by ClinVar (database versions not stated): ExAC 0.00258; ESP Exome Variant Server 0.01095; gnomAD 0.01324; TOPMed 0.01437; 1000 Genomes Project 0.01617; 1000 Genomes Project 30x 0.01686.
gnomAD v4.1: 4,002 of 1,499,536 alleles (0.27%); highest among the groups gnomAD compares: African/African-American, 4.7%; 92 homozygotes.

Submissions (3):

Labcorp Genetics (formerly Invitae), Labcorp
Classification: Benign. Last evaluated: 2025-11-16. Review status: criteria provided, single submitter. Criteria: Invitae Variant Classification Sherloc (09022015). Collection method: clinical testing. Allele origin: germline.

Illumina Laboratory Services, Illumina
Classification: Benign for Polymorphous corneal dystrophy. Last evaluated: 2018-01-13. Review status: criteria provided, single submitter. Criteria: ICSL Variant Classification Criteria 13 December 2019. Collection method: clinical testing. Allele origin: germline.
Comment: This variant was observed in the ICSL laboratory as part of a predisposition screen in an ostensibly healthy population. It had not been previously curated by ICSL or reported in the Human Gene Mutation Database (HGMD: prior to June 1st, 2018), and was therefore a candidate for classification through an automated scoring system. Utilizing variant allele frequency, disease prevalence and penetrance estimates, and inheritance mode, an automated score was calculated to assess if this variant is too frequent to cause the disease. Based on the score and internal cut-off values, a variant classified as benign is not then subjected to further curation. The score for this variant resulted in a classification of benign for this disease.

Breakthrough Genomics
Classification: Benign. Review status: criteria provided, single submitter. Criteria: ACMG Guidelines, 2015. Collection method: not provided. Allele origin: germline. Inheritance: Autosomal dominant inheritance. Affected: yes.

NM_014588.6(VSX1):c.339C>T (p.Gly113=)

Gene: VSX1 (visual system homeobox 1; minus strand). Cytogenetic location: 20p11.21.
Variant type: single nucleotide variant.
Coding change: c.339C>T on transcript NM_014588.6 (MANE Select); coding-DNA position 339, C replaced by T.
Protein change: p.Gly113=; no amino-acid change (glycine 113 retained).
Molecular consequence: synonymous variant. On other transcripts: non-coding transcript variant (2).
Genome position (GRCh38, 1-based): chr20:25,081,758, G>A on the plus strand (C>T on the coding strand, the complement: VSX1 is on the minus strand). VCF-style: chr20-25081758-G-A. GRCh37 (hg19) VCF-style: chr20-25062394-G-A.
Other names: c.339C>T, p.Gly113= (NM_001256271.2, NM_001256272.2, NM_199425.3).
Identifiers: ClinVar variation 337966 (VCV000337966.13), dbSNP rs6037016, ClinGen allele CA9793677.
Genomic context (GRCh38, chr20:25,081,758, plus strand): 5'-CTTCTGGCGGCCGAGCGCAGGCGGCGGACGGCTGGGAGCCAGCGGGGCAGCGGGCTCGGG[G>A]CCCCTGGGCGGCAGGAACGGCACGTCCGCTAGGAGCAGGCAGGGTGCTCGAGCGGCCGCC-3'
Protein context (NP_055403.2, residues 103-123): LADVPFLPPR[Gly113=]PEPAAPLAPS